The following is an entry in ClinVar:

ClinVar aggregate classification (germline): Uncertain significance. Review status: criteria provided, multiple submitters, no conflicts (2 of 4 stars). 2 submissions from 2 submitters: Uncertain significance (2). Last evaluated 2025-10-24.

Conditions:
Inborn genetic diseases. Identifiers: MedGen C0950123, MeSH D030342.

Allele frequency attached by ClinVar (database versions not stated): TOPMed 0.00002; gnomAD 0.00003 and 0.00005; ExAC 0.00007; ESP Exome Variant Server 0.00008; gnomAD exomes 0.00009; 1000 Genomes Project 0.00040; 1000 Genomes Project 30x 0.00047.

Submissions (2):

Ambry Genetics
Classification: Uncertain significance for Inborn genetic diseases. Last evaluated: 2025-10-24. Review status: criteria provided, single submitter. Criteria: Ambry Variant Classification Scheme 2023. Collection method: clinical testing. Allele origin: germline.

Labcorp Genetics (formerly Invitae), Labcorp
Classification: Uncertain significance. Last evaluated: 2024-03-11. Review status: criteria provided, single submitter. Criteria: Invitae Variant Classification Sherloc (09022015). Collection method: clinical testing. Allele origin: germline.
Comment: This sequence change replaces arginine, which is basic and polar, with glutamine, which is neutral and polar, at codon 133 of the GPX4 protein (p.Arg133Gln). This variant is present in population databases (rs374349562, gnomAD 0.05%). This variant has not been reported in the literature in individuals affected with GPX4-related conditions. ClinVar contains an entry for this variant (Variation ID: 1418302). Experimental studies and prediction algorithms are not available or were not evaluated, and the functional significance of this variant is currently unknown. In summary, the available evidence is currently insufficient to determine the role of this variant in disease. Therefore, it has been classified as a Variant of Uncertain Significance.

NM_002085.5(GPX4):c.287G>A (p.Arg96Gln)

Gene: GPX4 (glutathione peroxidase 4; plus strand). Cytogenetic location: 19p13.3.
Variant type: single nucleotide variant.
Coding change: c.287G>A on transcript NM_002085.5 (MANE Select); coding-DNA position 287, G replaced by A.
Protein change: p.Arg96Gln; replaces arginine 96 with glutamine.
Molecular consequence: missense variant.
Genome position (GRCh38, 1-based): chr19:1,105,473, G>A. VCF-style: chr19-1105473-G-A. GRCh37 (hg19) VCF-style: chr19-1105472-G-A.
Other names: c.287G>A, p.Arg96Gln (NM_001039847.3); c.398G>A, p.Arg133Gln (NM_001039848.4); c.206G>A, p.Arg69Gln (NM_001367832.1); c.398G>A (NM_001039848.1); short protein forms R69Q, R133Q, R96Q.
Identifiers: ClinVar variation 1418302 (VCV001418302.7), dbSNP rs374349562, ClinGen allele CA9037266.